The following is an entry in ClinVar:

ClinVar aggregate classification (germline): Likely benign. Review status: criteria provided, multiple submitters, no conflicts (2 of 4 stars). 3 submissions from 3 submitters: Likely benign (3). Last evaluated 2026-04-09.

Conditions:
CDH23-related disorder. Also called: CDH23-related disorders; CDH23-related condition.

Allele frequency attached by ClinVar (database versions not stated): TOPMed 0.00002; gnomAD 0.00003; ESP Exome Variant Server 0.00016; gnomAD exomes 0.00003 and 0.00004; ExAC 0.00012.
gnomAD v4.1: 56 of 1,600,480 alleles (0.0035%); highest among the groups gnomAD compares: Middle Eastern, 0.033%; no homozygotes.

Submissions (3):

PreventionGenetics, part of Exact Sciences
Classification: Likely benign for CDH23-related condition. Last evaluated: 2026-04-09. Review status: criteria provided, single submitter. Criteria: ACMG Guidelines, 2015. Collection method: clinical testing. Allele origin: germline.
Comment: This variant is classified as likely benign based on ACMG/AMP sequence variant interpretation guidelines (Richards et al. 2015 PMID: 25741868, with internal and published modifications).

Labcorp Genetics (formerly Invitae), Labcorp
Classification: Likely benign. Last evaluated: 2025-03-17. Review status: criteria provided, single submitter. Criteria: Invitae Variant Classification Sherloc (09022015). Collection method: clinical testing. Allele origin: germline.

Blueprint Genetics
Classification: Likely benign. Last evaluated: 2024-06-10. Review status: criteria provided, single submitter. Criteria: ACMG Guidelines, 2015. Collection method: clinical testing. Allele origin: germline.

NM_022124.6(CDH23):c.8565G>A (p.Val2855=)

Gene: CDH23 (cadherin related 23; plus strand). Cytogenetic location: 10q22.1.
Variant type: single nucleotide variant.
Coding change: c.8565G>A on transcript NM_022124.6 (MANE Select); coding-DNA position 8565, G replaced by A.
Protein change: p.Val2855=; no amino-acid change (valine 2855 retained).
Molecular consequence: synonymous variant.
Genome position (GRCh38, 1-based): chr10:71,807,850, G>A. VCF-style: chr10-71807850-G-A. GRCh37 (hg19) VCF-style: chr10-73567607-G-A.
Other names: c.1845G>A, p.Val615= (NM_001171933.1, NM_001171934.1); c.8565G>A (NM_022124.5).
Identifiers: ClinVar variation 1080253 (VCV001080253.11), dbSNP rs374059763, ClinGen allele CA5546691.
Genomic context (GRCh38, chr10:71,807,850, plus strand): 5'-ACGAGGTGTGGGGTGGCCCCTGCCCTGCCACTTACACCACCTGCCTCTTCCTGCAGGGGT[G>A]GCCACCGACGCCAAGGTGGGCTCAGAGTTGATCCAGGTGCTGGCCCTGGATGCAGACATT-3'
Protein context (NP_071407.4, residues 2845-2865): RFTKAEYTAG[Val2855=]ATDAKVGSEL